The following is an entry in ClinVar:

NM_016932.5(SIX2):c.565AAC[1] (p.Asn190del)

Gene: SIX2 (SIX homeobox 2; minus strand). Cytogenetic location: 2p21.
Variant type: Microsatellite.
Coding change: c.565AAC[1] on transcript NM_016932.5 (MANE Select); one copy of the 3-base unit AAC starting at c.565; the reference has two copies in a row; one copy, 3 bases deleted.
Protein change: p.Asn190del; deletes asparagine 190.
Molecular consequence: inframe deletion.
Genome position (GRCh38, 1-based): chr2:45,006,476-45,006,478, GTT deleted on the plus strand (AAC on the coding strand, the reverse complement: SIX2 is on the minus strand); deleting any 3 consecutive bases within chr2:45,006,476-45,006,481 gives the same sequence; the position shown is the placement nearest the transcript's 3' end. VCF-style (leftmost placement, unchanged base first): chr2-45006475-CGTT-C. GRCh37 (hg19) VCF-style: chr2-45233614-CGTT-C.
Other names: short protein forms N190del.
Identifiers: ClinVar variation 1898734 (VCV001898734.5), dbSNP rs748324030, ClinGen allele CA1642534.

ClinVar aggregate classification (germline): Uncertain significance (1 of 4 stars; one submission).

Submission:

Labcorp Genetics (formerly Invitae), Labcorp
Classification: Uncertain significance. Last evaluated: 2022-06-14. Review status: criteria provided, single submitter. Criteria: Invitae Variant Classification Sherloc (09022015). Collection method: clinical testing. Allele origin: germline.
Comment: This variant, c.568_570del, results in the deletion of 1 amino acid(s) of the SIX2 protein (p.Asn190del), but otherwise preserves the integrity of the reading frame. This variant is present in population databases (rs748324030, gnomAD 0.04%). This variant has not been reported in the literature in individuals affected with SIX2-related conditions. Experimental studies and prediction algorithms are not available or were not evaluated, and the functional significance of this variant is currently unknown. In summary, the available evidence is currently insufficient to determine the role of this variant in disease. Therefore, it has been classified as a Variant of Uncertain Significance.